The following is an entry in ClinVar:

NM_001039213.4(CEACAM16):c.197C>T (p.Ala66Val)

Genes: CEACAM16 (CEA cell adhesion molecule 16, tectorial membrane component; plus strand), CEACAM16-AS1 (CEACAM16, CEACAM19 and PVR antisense RNA 1; minus strand). Cytogenetic location: 19q13.32.
Variant type: single nucleotide variant.
Coding change: c.197C>T on transcript NM_001039213.4 (MANE Select); coding-DNA position 197, C replaced by T.
Protein change: p.Ala66Val; replaces alanine 66 with valine.
Molecular consequence: missense variant.
Genome position (GRCh38, 1-based): chr19:44,703,508, C>T. VCF-style: chr19-44703508-C-T. GRCh37 (hg19) VCF-style: chr19-45206778-C-T.
Other names: short protein forms A66V.
Identifiers: ClinVar variation 1195377 (VCV001195377.21), dbSNP rs199924613, ClinGen allele CA9502978.

ClinVar aggregate classification (germline): Conflicting classifications of pathogenicity. Review status: criteria provided, conflicting classifications (1 of 4 stars). 4 submissions from 4 submitters: Uncertain significance (3); Likely benign (1). Last evaluated 2025-10-01.

Allele frequency attached by ClinVar (database versions not stated): gnomAD 0.00004 and 0.00005; gnomAD exomes 0.00004 and 0.00007; ExAC 0.00007; TOPMed 0.00007; ESP Exome Variant Server 0.00016.
gnomAD v4.1: 68 of 1,613,626 alleles (0.0042%); highest among the groups gnomAD compares: Middle Eastern, 0.016%; no homozygotes.

Submissions (4):

CeGaT Center for Human Genetics Tuebingen
Classification: Uncertain significance. Last evaluated: 2025-10-01. Review status: criteria provided, single submitter. Criteria: CeGaT Center For Human Genetics Tuebingen Variant Classification Criteria Version 2. Collection method: clinical testing. Allele origin: germline. Affected: yes. Observed: 2 variant alleles.
Comment: CEACAM16: PM2

Blueprint Genetics
Classification: Uncertain significance. Last evaluated: 2024-11-26. Review status: criteria provided, single submitter. Criteria: ACMG Guidelines, 2015. Collection method: clinical testing. Allele origin: germline.

Labcorp Genetics (formerly Invitae), Labcorp
Classification: Uncertain significance. Last evaluated: 2024-09-06. Review status: criteria provided, single submitter. Criteria: Invitae Variant Classification Sherloc (09022015). Collection method: clinical testing. Allele origin: germline.
Comment: This sequence change replaces alanine, which is neutral and non-polar, with valine, which is neutral and non-polar, at codon 66 of the CEACAM16 protein (p.Ala66Val). This variant is present in population databases (rs199924613, gnomAD 0.02%). This variant has not been reported in the literature in individuals affected with CEACAM16-related conditions. ClinVar contains an entry for this variant (Variation ID: 1195377). Invitae Evidence Modeling of protein sequence and biophysical properties (such as structural, functional, and spatial information, amino acid conservation, physicochemical variation, residue mobility, and thermodynamic stability) indicates that this missense variant is not expected to disrupt CEACAM16 protein function with a negative predictive value of 80%. In summary, the available evidence is currently insufficient to determine the role of this variant in disease. Therefore, it has been classified as a Variant of Uncertain Significance.

GeneDx
Classification: Likely benign. Last evaluated: 2020-04-21. Review status: criteria provided, single submitter. Criteria: GeneDx Variant Classification Process June 2021. Collection method: clinical testing. Allele origin: germline. Affected: yes.